The following is an entry in ClinVar:

ClinVar aggregate classification (germline): Uncertain significance (1 of 4 stars; one submission).

Conditions:
Progressive myoclonic epilepsy. Also called: Familial progressive myoclonic epilepsy; Myoclonic Epilepsies, Progressive; Progressive myoclonus epilepsy; Myoclonus epilepsy. Identifiers: Orphanet 308, Orphanet 98261, MedGen C0751778, MONDO:0020074.

Allele frequency attached by ClinVar (database versions not stated): gnomAD exomes below 0.00001.
gnomAD v4.1: 1 of 1,614,098 alleles (0.000062%); highest among the groups gnomAD compares: Non-Finnish European, 0.000085%; no homozygotes.

Submission:

Labcorp Genetics (formerly Invitae), Labcorp
Classification: Uncertain significance for Progressive myoclonic epilepsy. Last evaluated: 2021-08-19. Review status: criteria provided, single submitter. Criteria: Invitae Variant Classification Sherloc (09022015). Collection method: clinical testing. Allele origin: germline.
Comment: This sequence change replaces valine with isoleucine at codon 323 of the SCARB2 protein (p.Val323Ile). The valine residue is moderately conserved and there is a small physicochemical difference between valine and isoleucine. This variant is not present in population databases (ExAC no frequency). This variant has not been reported in the literature in individuals affected with SCARB2-related conditions. Algorithms developed to predict the effect of missense changes on protein structure and function are either unavailable or do not agree on the potential impact of this missense change (SIFT: "Tolerated"; PolyPhen-2: "Possibly Damaging"; Align-GVGD: "Class C0"). In summary, the available evidence is currently insufficient to determine the role of this variant in disease. Therefore, it has been classified as a Variant of Uncertain Significance.

NM_005506.4(SCARB2):c.967G>A (p.Val323Ile)

Gene: SCARB2 (scavenger receptor class B member 2; minus strand). Cytogenetic location: 4q21.1.
Variant type: single nucleotide variant.
Coding change: c.967G>A on transcript NM_005506.4 (MANE Select); coding-DNA position 967, G replaced by A.
Protein change: p.Val323Ile; replaces valine 323 with isoleucine.
Molecular consequence: missense variant.
Genome position (GRCh38, 1-based): chr4:76,174,171, C>T on the plus strand (G>A on the coding strand, the complement: SCARB2 is on the minus strand). VCF-style: chr4-76174171-C-T. GRCh37 (hg19) VCF-style: chr4-77095324-C-T.
Other names: c.538G>A, p.Val180Ile (NM_001204255.2); short protein forms V323I, V180I.
Identifiers: ClinVar variation 1376368 (VCV001376368.3), dbSNP rs2109941801, ClinGen allele CA357315547.
Genomic context (GRCh38, chr4:76,174,171, plus strand): 5'-CACCCCTATCATGTCCCCTCTCTGAGTTCTTACCATTCTTGCAGATGCTGACATTCAGAA[C>T]TCCTGAGCCCAGGCAGTTTCCCTCAGGTATACAGAAGCCGGCATTGTCTGACGTATTGGC-3'
Protein context (NP_005497.1, residues 313-333): IPEGNCLGSG[Val323Ile]LNVSICKNGA